The following is an entry in ClinVar:

ClinVar aggregate classification (germline): Conflicting classifications of pathogenicity. Review status: criteria provided, conflicting classifications (1 of 4 stars). 3 submissions from 3 submitters: Uncertain significance (1); Likely benign (2). Last evaluated 2024-12-31.

Conditions:
Autosomal recessive ataxia, Beauce type. Also called: SYNE1 Deficiency; Spinocerebellar ataxia, autosomal recessive 8; SYNE1-Related Autosomal Recessive Cerebellar Ataxia; ATAXIA, RECESSIVE, OF BEAUCE. Identifiers: Orphanet 88644, MedGen C1853116, MONDO:0012549, OMIM 610743.
Emery-Dreifuss muscular dystrophy 4, autosomal dominant (EDMD4). Also called: EMERY-DREIFUSS MUSCULAR DYSTROPHY 4 WITH VARIABLE FEATURES. Identifiers: Orphanet 261, MedGen C2751807, MONDO:0013071, OMIM 612998.

Allele frequency attached by ClinVar (database versions not stated): gnomAD 0.00001; TOPMed 0.00002; gnomAD exomes 0.00003; ExAC 0.00005.
gnomAD v4.1: 46 of 1,614,002 alleles (0.0029%); highest among the groups gnomAD compares: Non-Finnish European, 0.0039%; no homozygotes.

Submissions (3):

Athena Diagnostics
Classification: Likely benign. Last evaluated: 2024-12-31. Review status: criteria provided, single submitter. Criteria: Athena Diagnostics Criteria. Collection method: clinical testing. Allele origin: unknown.
Comment: Computational tools yielded predictions that this variant is unlikely to have an effect on normal RNA splicing. This nucleotide position exhibits low evolutionary conservation.

Labcorp Genetics (formerly Invitae), Labcorp
Classification: Likely benign for Emery-Dreifuss muscular dystrophy 4, autosomal dominant; Autosomal recessive ataxia, Beauce type. Last evaluated: 2022-07-05. Review status: criteria provided, single submitter. Criteria: Invitae Variant Classification Sherloc (09022015). Collection method: clinical testing. Allele origin: germline.

CeGaT Center for Human Genetics Tuebingen
Classification: Uncertain significance. Last evaluated: 2017-09-01. Review status: criteria provided, single submitter. Criteria: CeGaT Center For Human Genetics Tuebingen Variant Classification Criteria Version 2. Collection method: clinical testing. Allele origin: germline. Affected: yes. Observed: 1 variant allele.

NM_182961.4(SYNE1):c.18574-4G>C

Gene: SYNE1 (spectrin repeat containing nuclear envelope protein 1; minus strand). Cytogenetic location: 6q25.2.
Variant type: single nucleotide variant.
Coding change: c.18574-4G>C on transcript NM_182961.4 (MANE Select); 4 bases into the intron before coding-DNA position 18574, G replaced by C.
Molecular consequence: intron variant.
Genome position (GRCh38, 1-based): chr6:152,269,290, C>G on the plus strand (G>C on the coding strand, the complement: SYNE1 is on the minus strand). VCF-style: chr6-152269290-C-G. GRCh37 (hg19) VCF-style: chr6-152590425-C-G.
Other names: c.18361-4G>C (NM_033071.5); c.18574-4G>C (NM_182961.2).
Identifiers: ClinVar variation 493444 (VCV000493444.48), dbSNP rs767063118, ClinGen allele CA4054919.